The following is an entry in ClinVar:

NM_002435.3(MPI):c.194G>A (p.Arg65His)

Gene: MPI (mannose phosphate isomerase; plus strand). Cytogenetic location: 15q24.1.
Variant type: single nucleotide variant.
Coding change: c.194G>A on transcript NM_002435.3 (MANE Select); coding-DNA position 194, G replaced by A.
Protein change: p.Arg65His; replaces arginine 65 with histidine.
Molecular consequence: missense variant.
Genome position (GRCh38, 1-based): chr15:74,891,428, G>A. VCF-style: chr15-74891428-G-A. GRCh37 (hg19) VCF-style: chr15-75183769-G-A.
Other names: c.194G>A, p.Arg65His (NM_001289155.2, NM_001289157.2); c.44G>A, p.Arg15His (NM_001289156.2); c.134G>A, p.Arg45His (NM_001330372.2); c.194G>A (NM_002435.1); short protein forms R15H, R65H, R45H.
Identifiers: ClinVar variation 2730320 (VCV002730320.2), dbSNP rs768931867, ClinGen allele CA7662391.

ClinVar aggregate classification (germline): Uncertain significance. Review status: criteria provided, multiple submitters, no conflicts (2 of 4 stars). 2 submissions from 2 submitters: Uncertain significance (2). Last evaluated 2026-09-01.

Conditions:
MPI-congenital disorder of glycosylation. Also called: MPI-CDG; CONGENITAL DISORDER OF GLYCOSYLATION, TYPE Ib; CDG Ib; MANNOSEPHOSPHATE ISOMERASE DEFICIENCY; PROTEIN-LOSING ENTEROPATHY-HEPATIC FIBROSIS SYNDROME; MPI DEFICIENCY. Identifiers: Orphanet 79319, MedGen C1865145, MONDO:0011257, OMIM 602579.
Inborn genetic diseases. Identifiers: MedGen C0950123, MeSH D030342.

Allele frequency attached by ClinVar (database versions not stated): ExAC 0.00002.
gnomAD v4.1: 20 of 1,614,182 alleles (0.0012%); highest among the groups gnomAD compares: East Asian, 0.0022%; no homozygotes.

Submissions (2):

Ambry Genetics
Classification: Uncertain significance for Inborn genetic diseases. Last evaluated: 2026-09-01. Review status: criteria provided, single submitter. Criteria: Ambry Variant Classification Scheme 2023. Collection method: clinical testing. Allele origin: germline.

Labcorp Genetics (formerly Invitae), Labcorp
Classification: Uncertain significance for MPI-congenital disorder of glycosylation. Last evaluated: 2024-01-15. Review status: criteria provided, single submitter. Criteria: Invitae Variant Classification Sherloc (09022015). Collection method: clinical testing. Allele origin: germline.
Comment: This sequence change replaces arginine, which is basic and polar, with histidine, which is basic and polar, at codon 65 of the MPI protein (p.Arg65His). This variant is present in population databases (rs768931867, gnomAD 0.003%). This variant has not been reported in the literature in individuals affected with MPI-related conditions. Algorithms developed to predict the effect of missense changes on protein structure and function output the following: SIFT: "Not Available"; PolyPhen-2: "Benign"; Align-GVGD: "Not Available". The histidine amino acid residue is found in multiple mammalian species, which suggests that this missense change does not adversely affect protein function. In summary, the available evidence is currently insufficient to determine the role of this variant in disease. Therefore, it has been classified as a Variant of Uncertain Significance.